The following is an entry in ClinVar:

ClinVar aggregate classification (germline): Pathogenic (1 of 4 stars; one submission).

Conditions:
46,XY sex reversal 2. Also called: NR0B1-Related 46,XY CGD; NR0B1-related 46,XY complete gonadal dysgenesis; Dosage-sensitive sex reversal; 46,XY SEX REVERSAL, DAX1-RELATED; 46XY sex reversal 2, dosage-sensitive. Identifiers: MedGen C1848296, MONDO:0010226, OMIM 300018.
Congenital adrenal hypoplasia, X-linked (AHC). Also called: Isolated X-Linked Adrenal Hypoplasia Congenita; X-linked AHC; X-Linked Adrenal Hypoplasia Congenita; ADRENAL HYPOPLASIA, CONGENITAL, WITH HYPOGONADOTROPIC HYPOGONADISM. Identifiers: Orphanet 95702, MedGen C0342482, MONDO:0010264, OMIM 300200. Disease mechanism: loss of function.

Submission:

Labcorp Genetics (formerly Invitae), Labcorp
Classification: Pathogenic for Congenital adrenal hypoplasia, X-linked; 46,XY sex reversal 2. Last evaluated: 2023-05-04. Review status: criteria provided, single submitter. Criteria: Invitae Variant Classification Sherloc (09022015). Collection method: clinical testing. Allele origin: germline.
Comment: This variant has not been reported in the literature in individuals affected with NR0B1-related conditions. For these reasons, this variant has been classified as Pathogenic. This variant is not present in population databases (gnomAD no frequency). This sequence change creates a premature translational stop signal (p.Trp171Argfs*94) in the NR0B1 gene. It is expected to result in an absent or disrupted protein product. Loss-of-function variants in NR0B1 are known to be pathogenic (PMID: 7990958, 15841486).

Literature cited by the submitters: PubMed 7990958; PubMed 15841486.

NM_000475.5(NR0B1):c.509_510dup (p.Trp171fs)

Gene: NR0B1 (nuclear receptor subfamily 0 group B member 1; minus strand). Cytogenetic location: Xp21.2.
Variant type: Microsatellite.
Coding change: c.509_510dup on transcript NM_000475.5 (MANE Select); coding-DNA positions 509 to 510, 2 bases duplicated (CG; older notation c.509_510dupCG).
Protein change: p.Trp171fs; shifts the reading frame from tryptophan 171.
Molecular consequence: frameshift variant.
Genome position (GRCh38, 1-based): chrX:30,308,854-30,308,855, CG duplicated on the plus strand (CG on the coding strand, the reverse complement: NR0B1 is on the minus strand); duplicating any 2 consecutive bases within chrX:30,308,854-30,308,858 gives the same sequence; the c. name uses the placement nearest the transcript's 3' end. VCF-style (leftmost placement, unchanged base first): chrX-30308853-A-ACG. GRCh37 (hg19) VCF-style: chrX-30326970-A-ACG.
Other names: short protein forms W171fs.
Identifiers: ClinVar variation 2940031 (VCV002940031.3), dbSNP rs2519051604, ClinGen allele CA2740092088.